The following is an entry in ClinVar:

ClinVar aggregate classification (germline): Benign/Likely benign. Review status: criteria provided, multiple submitters, no conflicts (2 of 4 stars). 9 submissions from 9 submitters: Benign (1); Likely benign (7). 1 of the submissions does not count toward it. Last evaluated 2026-09-01.

Conditions:
DDHD2-related disorder. Also called: DDHD2-related condition.
Hereditary spastic paraplegia 54. Also called: Spastic paraplegia 54, autosomal recessive. Identifiers: Orphanet 320380, MedGen C3539495, MONDO:0014018, OMIM 615033.
Hereditary spastic paraplegia. Also called: Familial spastic paraparesis. Identifiers: Orphanet 685, MedGen C0037773, MONDO:0019064. Disease mechanism: loss of function.

Allele frequency attached by ClinVar (database versions not stated): 1000 Genomes Project 30x 0.00109; 1000 Genomes Project 0.00120; ExAC 0.00281; TOPMed 0.00290; gnomAD 0.00292 and 0.00300; gnomAD exomes 0.00293 and 0.00428; ESP Exome Variant Server 0.00354.
gnomAD v4.1: 6,182 of 1,489,866 alleles (0.41%); highest among the groups gnomAD compares: Non-Finnish European, 0.5%; 12 homozygotes.

Submissions (9):

CeGaT Center for Human Genetics Tuebingen
Classification: Likely benign. Last evaluated: 2026-09-01. Review status: criteria provided, single submitter. Criteria: CeGaT Center For Human Genetics Tuebingen Variant Classification Criteria Version 2. Collection method: clinical testing. Allele origin: germline. Affected: yes. Observed: 27 variant alleles.
Comment: DDHD2: BP4, BS2

Labcorp Genetics (formerly Invitae), Labcorp
Classification: Likely benign for Hereditary spastic paraplegia 54. Last evaluated: 2025-12-31. Review status: criteria provided, single submitter. Criteria: Invitae Variant Classification Sherloc (09022015). Collection method: clinical testing. Allele origin: germline.

Blueprint Genetics
Classification: Likely benign. Last evaluated: 2024-11-25. Review status: criteria provided, single submitter. Criteria: ACMG Guidelines, 2015. Collection method: clinical testing. Allele origin: germline.

Mayo Clinic Laboratories, Mayo Clinic
Classification: Benign. Last evaluated: 2024-07-19. Review status: criteria provided, single submitter. Criteria: ACMG Guidelines, 2015. Collection method: clinical testing. Allele origin: germline. Observed: 7 variant alleles.
Comment: BS1, BS2, BP4

Genome Diagnostics Laboratory, The Hospital for Sick Children
Classification: Likely benign for Hereditary spastic paraplegia. Last evaluated: 2021-03-05. Review status: criteria provided, single submitter. Criteria: ACMG Guidelines, 2015. Collection method: clinical testing. Allele origin: germline. Affected: yes.

GeneDx
Classification: Likely benign. Last evaluated: 2021-02-03. Review status: criteria provided, single submitter. Criteria: GeneDx Variant Classification Process June 2021. Collection method: clinical testing. Allele origin: germline. Affected: yes.

Fulgent Genetics
Classification: Likely benign for Hereditary spastic paraplegia 54. Last evaluated: 2018-10-31. Review status: criteria provided, single submitter. Criteria: ACMG Guidelines, 2015. Collection method: clinical testing. Allele origin: unknown.

Genetic Services Laboratory, University of Chicago
Classification: Likely benign. Last evaluated: 2016-09-14. Review status: criteria provided, single submitter. Criteria: ACMG Guidelines, 2015. Collection method: clinical testing. Allele origin: germline. Affected: no.

PreventionGenetics, part of Exact Sciences
Classification: Likely benign for DDHD2-related condition. Last evaluated: 2022-11-21. Review status: no assertion criteria provided. Collection method: clinical testing. Allele origin: germline. Not counted in ClinVar's aggregate classification.
Comment: This variant is classified as likely benign based on ACMG/AMP sequence variant interpretation guidelines (Richards et al. 2015 PMID: 25741868, with internal and published modifications).

NM_015214.3(DDHD2):c.1127A>G (p.Asp376Gly)

Gene: DDHD2 (DDHD domain containing 2; plus strand). Cytogenetic location: 8p11.23.
Variant type: single nucleotide variant.
Coding change: c.1127A>G on transcript NM_015214.3 (MANE Select); coding-DNA position 1127, A replaced by G.
Protein change: p.Asp376Gly; replaces aspartic acid 376 with glycine.
Molecular consequence: missense variant. On other transcripts: non-coding transcript variant (2).
Genome position (GRCh38, 1-based): chr8:38,247,714, A>G. VCF-style: chr8-38247714-A-G. GRCh37 (hg19) VCF-style: chr8-38105232-A-G.
Other names: p.Asp376Gly; c.1127A>G, p.Asp376Gly (NM_001164232.2, NM_001362911.2, NM_001362912.2 and 1 more transcripts); c.1037A>G, p.Asp346Gly (NM_001362913.2); short protein forms D376G, D346G.
Identifiers: ClinVar variation 210838 (VCV000210838.52), dbSNP rs148664622, ClinGen allele CA208680.